The following is an entry in ClinVar:

NM_005045.4(RELN):c.35T>G (p.Leu12Arg)

Gene: RELN (reelin; minus strand). Cytogenetic location: 7q22.1.
Variant type: single nucleotide variant.
Coding change: c.35T>G on transcript NM_005045.4 (MANE Select); coding-DNA position 35, T replaced by G.
Protein change: p.Leu12Arg; replaces leucine 12 with arginine.
Molecular consequence: missense variant.
Genome position (GRCh38, 1-based): chr7:103,989,322, A>C on the plus strand (T>G on the coding strand, the complement: RELN is on the minus strand). VCF-style: chr7-103989322-A-C. GRCh37 (hg19) VCF-style: chr7-103629769-A-C.
Other names: c.35T>G, p.Leu12Arg (NM_173054.3); short protein forms L12R.
Identifiers: ClinVar variation 2101880 (VCV002101880.4), dbSNP rs2484918399, ClinGen allele CA368931593.
Genomic context (GRCh38, chr7:103,989,322, plus strand): 5'-CGGGGGTAATAGCCAGCCGCCGCGCGCGCCCTCAGCGTCGCCCCCAGCAACAGCGCTAGG[A>C]GGAAAGTCTGCCGGGCCCAGCCACTGCGCTCCATGCCGCCGCCGCCGCCGCCGCCGCCGC-3'
Protein context (NP_005036.2, residues 2-22): ERSGWARQTF[Leu12Arg]LALLLGATLR

ClinVar aggregate classification (germline): Uncertain significance (1 of 4 stars; one submission).

Conditions:
Familial temporal lobe epilepsy 7. Identifiers: Orphanet 101046, MedGen C4225327, MONDO:0014639, OMIM 616436.
Norman-Roberts syndrome (LIS2). Also called: Lissencephaly 2 (Norman-Roberts type). Identifiers: Orphanet 89844, MedGen C0796089, MONDO:0009760, OMIM 257320.

Submission:

Labcorp Genetics (formerly Invitae), Labcorp
Classification: Uncertain significance for Familial temporal lobe epilepsy 7; Norman-Roberts syndrome. Last evaluated: 2022-02-22. Review status: criteria provided, single submitter. Criteria: Invitae Variant Classification Sherloc (09022015). Collection method: clinical testing. Allele origin: germline.
Comment: In summary, the available evidence is currently insufficient to determine the role of this variant in disease. Therefore, it has been classified as a Variant of Uncertain Significance. Algorithms developed to predict the effect of missense changes on protein structure and function are either unavailable or do not agree on the potential impact of this missense change (SIFT: "Deleterious"; PolyPhen-2: "Benign"; Align-GVGD: "Class C0"). This variant has not been reported in the literature in individuals affected with RELN-related conditions. This variant is not present in population databases (gnomAD no frequency). This sequence change replaces leucine, which is neutral and non-polar, with arginine, which is basic and polar, at codon 12 of the RELN protein (p.Leu12Arg).